The following is an entry in ClinVar:

ClinVar aggregate classification (germline): Benign/Likely benign. Review status: criteria provided, multiple submitters, no conflicts (2 of 4 stars). 5 submissions from 5 submitters: Benign (4); Likely benign (1). Last evaluated 2026-02-02.

Conditions:
Fraser syndrome 1 (FRASRS1). Also called: CRYPTOPHTHALMOS WITH OTHER MALFORMATIONS. Identifiers: Orphanet 2052, MedGen C4551480, MONDO:0054737, OMIM 219000.

Allele frequency attached by ClinVar (database versions not stated): gnomAD exomes 0.00154 and 0.00313; ExAC 0.00359; ESP Exome Variant Server 0.00722; gnomAD 0.00759 and 0.00783; TOPMed 0.00842; 1000 Genomes Project 0.00879; 1000 Genomes Project 30x 0.00890.
gnomAD v4.1: 3,458 of 1,613,092 alleles (0.21%); highest among the groups gnomAD compares: African/African-American, 2.4%; 36 homozygotes.

Submissions (5):

Labcorp Genetics (formerly Invitae), Labcorp
Classification: Benign. Last evaluated: 2026-02-02. Review status: criteria provided, single submitter. Criteria: Invitae Variant Classification Sherloc (09022015). Collection method: clinical testing. Allele origin: germline.

Fulgent Genetics
Classification: Likely benign for Fraser syndrome 1. Last evaluated: 2021-10-06. Review status: criteria provided, single submitter. Criteria: ACMG Guidelines, 2015. Collection method: clinical testing. Allele origin: unknown.

Genetic Services Laboratory, University of Chicago
Classification: Benign. Last evaluated: 2018-11-08. Review status: criteria provided, single submitter. Criteria: ACMG Guidelines, 2015. Collection method: clinical testing. Allele origin: germline. Affected: no.

Illumina Laboratory Services, Illumina
Classification: Benign for Fraser syndrome 1. Last evaluated: 2018-01-13. Review status: criteria provided, single submitter. Criteria: ICSL Variant Classification Criteria 13 December 2019. Collection method: clinical testing. Allele origin: germline.
Comment: This variant was observed in the ICSL laboratory as part of a predisposition screen in an ostensibly healthy population. It had not been previously curated by ICSL or reported in the Human Gene Mutation Database (HGMD: prior to June 1st, 2018), and was therefore a candidate for classification through an automated scoring system. Utilizing variant allele frequency, disease prevalence and penetrance estimates, and inheritance mode, an automated score was calculated to assess if this variant is too frequent to cause the disease. Based on the score and internal cut-off values, a variant classified as benign is not then subjected to further curation. The score for this variant resulted in a classification of benign for this disease.

Breakthrough Genomics
Classification: Benign. Review status: criteria provided, single submitter. Criteria: ACMG Guidelines, 2015. Collection method: not provided. Allele origin: germline. Inheritance: Autosomal recessive inheritance. Affected: yes.

NM_025074.7(FRAS1):c.1710C>T (p.Pro570=)

Gene: FRAS1 (Fraser extracellular matrix complex subunit 1; plus strand). Cytogenetic location: 4q21.21.
Variant type: single nucleotide variant.
Coding change: c.1710C>T on transcript NM_025074.7 (MANE Select); coding-DNA position 1710, C replaced by T.
Protein change: p.Pro570=; no amino-acid change (proline 570 retained).
Molecular consequence: synonymous variant.
Genome position (GRCh38, 1-based): chr4:78,315,625, C>T. VCF-style: chr4-78315625-C-T. GRCh37 (hg19) VCF-style: chr4-79236779-C-T.
Other names: c.1710C>T, p.Pro570= (NM_001166133.2).
Identifiers: ClinVar variation 349683 (VCV000349683.23), dbSNP rs17003124, ClinGen allele CA2976413.